The following is an entry in ClinVar:

NM_021620.4(PRDM13):c.1501G>C (p.Gly501Arg)

Gene: PRDM13 (PR/SET domain 13; plus strand). Cytogenetic location: 6q16.2.
Variant type: single nucleotide variant.
Coding change: c.1501G>C on transcript NM_021620.4 (MANE Select); coding-DNA position 1501, G replaced by C.
Protein change: p.Gly501Arg; replaces glycine 501 with arginine.
Molecular consequence: missense variant.
Genome position (GRCh38, 1-based): chr6:99,614,136, G>C. VCF-style: chr6-99614136-G-C. GRCh37 (hg19) VCF-style: chr6-100062012-G-C.
Other names: short protein forms G501R.
Identifiers: ClinVar variation 3675545 (VCV003675545.2).

ClinVar aggregate classification (germline): Uncertain significance (1 of 4 stars; one submission).

gnomAD v4.1: 2 of 1,597,526 alleles (0.00013%); highest among the groups gnomAD compares: South Asian, 0.0022%; no homozygotes.

Submission:

Labcorp Genetics (formerly Invitae), Labcorp
Classification: Uncertain significance. Last evaluated: 2024-05-03. Review status: criteria provided, single submitter. Criteria: Invitae Variant Classification Sherloc (09022015). Collection method: clinical testing. Allele origin: germline.
Comment: This sequence change replaces glycine, which is neutral and non-polar, with arginine, which is basic and polar, at codon 501 of the PRDM13 protein (p.Gly501Arg). This variant is present in population databases (no rsID available, gnomAD 0.003%). This variant has not been reported in the literature in individuals affected with PRDM13-related conditions. An algorithm developed to predict the effect of missense changes on protein structure and function (PolyPhen-2) suggests that this variant is likely to be disruptive. In summary, the available evidence is currently insufficient to determine the role of this variant in disease. Therefore, it has been classified as a Variant of Uncertain Significance.